The following is an entry in ClinVar:

ClinVar aggregate classification (germline): Uncertain significance (1 of 4 stars; one submission).

Conditions:
Autosomal dominant nocturnal frontal lobe epilepsy 5. Also called: CILIARY DYSKINESIA, PRIMARY, 28, WITHOUT SITUS INVERSUS; CILIARY DYSKINESIA, PRIMARY, 28, WITH SITUS INVERSUS; KCNT1-Related Epilepsy; Epilepsy, nocturnal frontal lobe, 5. Identifiers: Orphanet 98784, MedGen C3554306, MONDO:0014002, OMIM 615005.
Developmental and epileptic encephalopathy, 14 (DEE14). Also called: Early infantile epileptic encephalopathy 14. Identifiers: Orphanet 293181, MedGen C3554195, MONDO:0013989, OMIM 614959.

Submission:

Labcorp Genetics (formerly Invitae), Labcorp
Classification: Uncertain significance for Autosomal dominant nocturnal frontal lobe epilepsy 5; Developmental and epileptic encephalopathy, 14. Last evaluated: 2026-01-26. Review status: criteria provided, single submitter. Criteria: Invitae Variant Classification Sherloc (09022015). Collection method: clinical testing. Allele origin: germline.
Comment: This sequence change replaces glycine, which is neutral and non-polar, with aspartic acid, which is acidic and polar, at codon 678 of the KCNT1 protein (p.Gly678Asp). This variant is not present in population databases (gnomAD no frequency). This variant has not been reported in the literature in individuals affected with KCNT1-related conditions. Invitae Evidence Modeling of protein sequence and biophysical properties (such as structural, functional, and spatial information, amino acid conservation, physicochemical variation, residue mobility, and thermodynamic stability) indicates that this missense variant is not expected to disrupt KCNT1 protein function with a negative predictive value of 80%. In summary, the available evidence is currently insufficient to determine the role of this variant in disease. Therefore, it has been classified as a Variant of Uncertain Significance.

NM_020822.3(KCNT1):c.2033G>A (p.Gly678Asp)

Gene: KCNT1 (potassium sodium-activated channel subfamily T member 1; plus strand). Cytogenetic location: 9q34.3.
Variant type: single nucleotide variant.
Coding change: c.2033G>A on transcript NM_020822.3 (MANE Select); coding-DNA position 2033, G replaced by A.
Protein change: p.Gly678Asp; replaces glycine 678 with aspartic acid.
Molecular consequence: missense variant.
Genome position (GRCh38, 1-based): chr9:135,772,739, G>A. VCF-style: chr9-135772739-G-A. GRCh37 (hg19) VCF-style: chr9-138664585-G-A.
Other names: c.1898G>A, p.Gly633Asp (NM_001272003.2); short protein forms G678D, G633D.
Identifiers: ClinVar variation 4790807 (VCV004790807.1).